The following is an entry in ClinVar:

NM_032482.3(DOT1L):c.1829A>T (p.Asp610Val)

Genes: DOT1L (DOT1 like histone lysine methyltransferase; plus strand), DOT1L-AS1 (DOT1L antisense RNA 1; minus strand). Cytogenetic location: 19p13.3.
Variant type: single nucleotide variant.
Coding change: c.1829A>T on transcript NM_032482.3 (MANE Select); coding-DNA position 1829, A replaced by T.
Protein change: p.Asp610Val; replaces aspartic acid 610 with valine.
Molecular consequence: missense variant.
Genome position (GRCh38, 1-based): chr19:2,214,502, A>T. VCF-style: chr19-2214502-A-T. GRCh37 (hg19) VCF-style: chr19-2214501-A-T.
Other names: c.1829A>T, p.Asp610Val (NM_001411141.1); short protein forms D610V.
Identifiers: ClinVar variation 3900952 (VCV003900952.1).

ClinVar aggregate classification (germline): Uncertain significance (1 of 4 stars; one submission).

Submission:

GeneDx
Classification: Uncertain significance. Last evaluated: 2024-11-29. Review status: criteria provided, single submitter. Criteria: GeneDx Variant Classification Process June 2021. Collection method: clinical testing. Allele origin: germline. Affected: yes.
Comment: Not observed at significant frequency in large population cohorts (gnomAD); In silico analysis supports that this missense variant has a deleterious effect on protein structure/function; Has not been previously published as pathogenic or benign to our knowledge